The following is an entry in ClinVar:

NM_002439.5(MSH3):c.3131G>C (p.Gly1044Ala)

Gene: MSH3 (mutS homolog 3; plus strand). Cytogenetic location: 5q14.1.
Variant type: single nucleotide variant.
Coding change: c.3131G>C on transcript NM_002439.5 (MANE Select); coding-DNA position 3131, G replaced by C.
Protein change: p.Gly1044Ala; replaces glycine 1044 with alanine.
Molecular consequence: missense variant.
Genome position (GRCh38, 1-based): chr5:80,873,116, G>C. VCF-style: chr5-80873116-G-C. GRCh37 (hg19) VCF-style: chr5-80168935-G-C.
Other names: short protein forms G1044A.
Identifiers: ClinVar variation 2757404 (VCV002757404.3), dbSNP rs2112128541, ClinGen allele CA360346785.
Genomic context (GRCh38, chr5:80,873,116, plus strand): 5'-AATCCTCTAATTTATTTCAGCTTTCAGGCACAGTTTTGATCTCCTTTCTTTATTTCACAG[G>C]CGCAGCAGAACAAGTCCCTGATTTTGTCACCTTCCTTTACCAAATAACTAGAGGAATTGC-3'
Protein context (NP_002430.3, residues 1034-1054): VSEDESKLDP[Gly1044Ala]AAEQVPDFVT

ClinVar aggregate classification (germline): Uncertain significance (1 of 4 stars; one submission).

Submission:

Labcorp Genetics (formerly Invitae), Labcorp
Classification: Uncertain significance. Last evaluated: 2023-09-03. Review status: criteria provided, single submitter. Criteria: Invitae Variant Classification Sherloc (09022015). Collection method: clinical testing. Allele origin: germline.
Comment: This sequence change replaces glycine, which is neutral and non-polar, with alanine, which is neutral and non-polar, at codon 1044 of the MSH3 protein (p.Gly1044Ala). This variant is not present in population databases (gnomAD no frequency). This variant has not been reported in the literature in individuals affected with MSH3-related conditions. An algorithm developed to predict the effect of missense changes on protein structure and function (PolyPhen-2) suggests that this variant is likely to be disruptive. In summary, the available evidence is currently insufficient to determine the role of this variant in disease. Therefore, it has been classified as a Variant of Uncertain Significance.